The following is an entry in ClinVar:

NM_001364905.1(LRBA):c.3583A>G (p.Thr1195Ala)

Gene: LRBA (LPS responsive beige-like anchor protein; minus strand). Cytogenetic location: 4q31.3.
Variant type: single nucleotide variant.
Coding change: c.3583A>G on transcript NM_001364905.1 (MANE Select); coding-DNA position 3583, A replaced by G.
Protein change: p.Thr1195Ala; replaces threonine 1195 with alanine.
Molecular consequence: missense variant.
Genome position (GRCh38, 1-based): chr4:150,852,127, T>C on the plus strand (A>G on the coding strand, the complement: LRBA is on the minus strand). VCF-style: chr4-150852127-T-C. GRCh37 (hg19) VCF-style: chr4-151773279-T-C.
Other names: c.3583A>G, p.Thr1195Ala (NM_001199282.3, NM_001367550.1, NM_006726.5); short protein forms T1195A.
Identifiers: ClinVar variation 2663263 (VCV002663263.1), dbSNP rs755276200, ClinGen allele CA3103020.

ClinVar aggregate classification (germline): Uncertain significance (1 of 4 stars; one submission).

Allele frequency attached by ClinVar (database versions not stated): ExAC 0.00001; gnomAD 0.00001; gnomAD exomes 0.00001; TOPMed 0.00002.
gnomAD v4.1: 11 of 1,614,000 alleles (0.00068%); highest among the groups gnomAD compares: African/African-American, 0.004%; no homozygotes.

Submission:

GeneDx
Classification: Uncertain significance. Last evaluated: 2023-05-12. Review status: criteria provided, single submitter. Criteria: GeneDx Variant Classification Process June 2021. Collection method: clinical testing. Allele origin: germline. Affected: yes.
Comment: In silico analysis supports that this missense variant does not alter protein structure/function; Has not been previously published as pathogenic or benign to our knowledge